The following is an entry in ClinVar:

ClinVar aggregate classification (germline): Uncertain significance (1 of 4 stars; one submission).

Conditions:
Developmental and epileptic encephalopathy, 7 (DEE7). Also called: KCNQ2-Related Neonatal-Onset Developmental and Epileptic Encephalopathy (NEO-DEE); KCNQ2-Related Neonatal Epileptic Encephalopathy; Early infantile epileptic encephalopathy 7. Identifiers: Orphanet 439218, MedGen C3150986, MONDO:0013387, OMIM 613720.

Submission:

3billion
Classification: Uncertain significance for Developmental and epileptic encephalopathy, 7. Last evaluated: 2024-01-25. Review status: criteria provided, single submitter. Criteria: ACMG Guidelines, 2015. Collection method: clinical testing. Allele origin: germline. Affected: yes.
Comment: The variant is not observed in the gnomAD v2.1.1 dataset. Predicted Consequence/Location: Missense changes are a common disease-causing mechanism. Damaging effect on gene or gene product predicted by in silico programs is uncertain [REVEL: 0.55 (damaging >=0.6, benign <0.4), 3Cnet: 0.43 (damaging >=0.6, benign <0.15)]. Therefore, this variant is classified as VUS according to the recommendation of ACMG/AMP guideline.

NM_172107.4(KCNQ2):c.542C>T (p.Ala181Val)

Gene: KCNQ2 (potassium voltage-gated channel subfamily Q member 2; minus strand). Cytogenetic location: 20q13.33.
Variant type: single nucleotide variant.
Coding change: c.542C>T on transcript NM_172107.4 (MANE Select); coding-DNA position 542, C replaced by T.
Protein change: p.Ala181Val; replaces alanine 181 with valine.
Molecular consequence: missense variant.
Genome position (GRCh38, 1-based): chr20:63,444,807, G>A on the plus strand (C>T on the coding strand, the complement: KCNQ2 is on the minus strand). VCF-style: chr20-63444807-G-A. GRCh37 (hg19) VCF-style: chr20-62076160-G-A.
Other names: c.542C>T, p.Ala181Val (NM_001382235.1, NM_004518.6, NM_172106.3 and 2 more transcripts); short protein forms A181V.
Identifiers: ClinVar variation 3776275 (VCV003776275.1).
Genomic context (GRCh38, chr20:63,444,807, plus strand): 5'-CGCAGGCTCCGGAGCGCAGATGTGGCAAAGACGTTGCCCTGGGAGCCGGCGGCCAGCACC[G>A]CAATGGAGGCGATGAGCACCATGATGTCTACAAAGCGGGCGTGGAGCTGGTGAGCTGCTG-3'
Protein context (NP_742105.1, residues 171-191): IDIMVLIASI[Ala181Val]VLAAGSQGNV